The following is an entry in ClinVar:

ClinVar aggregate classification (germline): Benign/Likely benign. Review status: criteria provided, multiple submitters, no conflicts (2 of 4 stars). 9 submissions from 9 submitters: Benign (6); Likely benign (2). 1 of the submissions does not count toward it. Last evaluated 2026-02-04.

Conditions:
Joubert syndrome. Also called: Familial aplasia of the vermis; JOUBERT-BOLTSHAUSER SYNDROME. Identifiers: Orphanet 475, MedGen C5979921, MONDO:0018772.
Joubert syndrome 1 (JBTS1). Also called: Cerebellooculorenal syndrome 1; CEREBELLOPARENCHYMAL DISORDER IV. Identifiers: MedGen C4551568, MONDO:0008944, OMIM 213300.
Joubert syndrome 3 (JBTS3). Also called: AHI1-related Ciliopathy. Identifiers: Orphanet 220493, MedGen C1837713, MONDO:0012078, OMIM 608629.

Allele frequency attached by ClinVar (database versions not stated): gnomAD exomes 0.02014 and 0.02425; ExAC 0.03852; ESP Exome Variant Server 0.02007; gnomAD 0.02035 and 0.01986; 1000 Genomes Project 30x 0.01109; 1000 Genomes Project 0.01138; TOPMed 0.01976.
gnomAD v4.1: 36,280 of 1,524,050 alleles (2.4%); highest among the groups gnomAD compares: Middle Eastern, 3.6%; 484 homozygotes.

Submissions (9):

Labcorp Genetics (formerly Invitae), Labcorp
Classification: Benign for Joubert syndrome. Last evaluated: 2026-02-04. Review status: criteria provided, single submitter. Criteria: Invitae Variant Classification Sherloc (09022015). Collection method: clinical testing. Allele origin: germline.

Women's Health and Genetics/Laboratory Corporation of America, LabCorp
Classification: Likely benign. Last evaluated: 2021-12-10. Review status: criteria provided, single submitter. Criteria: LabCorp Variant Classification Summary - May 2015. Collection method: clinical testing. Allele origin: germline.

Mendelics
Classification: Benign for Joubert syndrome 1. Last evaluated: 2019-05-28. Review status: criteria provided, single submitter. Criteria: Mendelics Assertion Criteria 2017. Collection method: clinical testing. Allele origin: unknown.

Illumina Laboratory Services, Illumina
Classification: Benign for Joubert syndrome 3. Last evaluated: 2018-03-06. Review status: criteria provided, single submitter. Criteria: ICSL Variant Classification Criteria 13 December 2019. Collection method: clinical testing. Allele origin: germline.
Comment: This variant was observed in the ICSL laboratory as part of a predisposition screen in an ostensibly healthy population. It had not been previously curated by ICSL or reported in the Human Gene Mutation Database (HGMD: prior to June 1st, 2018), and was therefore a candidate for classification through an automated scoring system. Utilizing variant allele frequency, disease prevalence and penetrance estimates, and inheritance mode, an automated score was calculated to assess if this variant is too frequent to cause the disease. Based on the score and internal cut-off values, a variant classified as benign is not then subjected to further curation. The score for this variant resulted in a classification of benign for this disease.

GeneDx
Classification: Benign. Last evaluated: 2016-04-02. Review status: criteria provided, single submitter. Criteria: GeneDx Variant Classification (06012015). Collection method: clinical testing. Allele origin: germline. Affected: yes.
Comment: This variant is considered likely benign or benign based on one or more of the following criteria: it is a conservative change, it occurs at a poorly conserved position in the protein, it is predicted to be benign by multiple in silico algorithms, and/or has population frequency not consistent with disease.

Eurofins Ntd Llc (ga)
Classification: Benign. Last evaluated: 2015-03-02. Review status: criteria provided, single submitter. Criteria: EGL Classification Definitions 2015. Collection method: clinical testing. Allele origin: germline. Observed: 1 variant allele, 1 heterozygote.

Breakthrough Genomics
Classification: Likely benign. Review status: criteria provided, single submitter. Criteria: ACMG Guidelines, 2015. Collection method: not provided. Allele origin: germline. Inheritance: Autosomal recessive inheritance. Affected: yes.

PreventionGenetics, part of Exact Sciences
Classification: Benign. Review status: criteria provided, single submitter. Criteria: ACMG Guidelines, 2015. Collection method: clinical testing. Allele origin: germline.

Genetic Services Laboratory, University of Chicago
Classification: Likely benign for AllHighlyPenetrant. Review status: no assertion criteria provided. Collection method: clinical testing. Allele origin: germline. Inheritance: Autosomal recessive inheritance. Not counted in ClinVar's aggregate classification.
Comment: Likely benign based on allele frequency in 1000 Genomes Project or ESP global frequency and its presence in a patient with a rare or unrelated disease phenotype. NOT Sanger confirmed.

NM_001134831.2(AHI1):c.2488C>T (p.Arg830Trp)

Gene: AHI1 (Abelson helper integration site 1; minus strand). Cytogenetic location: 6q23.3.
Variant type: single nucleotide variant.
Coding change: c.2488C>T on transcript NM_001134831.2 (MANE Select); coding-DNA position 2488, C replaced by T.
Protein change: p.Arg830Trp; replaces arginine 830 with tryptophan.
Molecular consequence: missense variant.
Genome position (GRCh38, 1-based): chr6:135,429,886, G>A on the plus strand (C>T on the coding strand, the complement: AHI1 is on the minus strand). VCF-style: chr6-135429886-G-A. GRCh37 (hg19) VCF-style: chr6-135751024-G-A.
Other names: c.2488C>T, p.Arg830Trp (NM_001134830.2, NM_001134832.2, NM_001350503.2 and 2 more transcripts); short protein forms R830W.
Identifiers: ClinVar variation 128324 (VCV000128324.24), dbSNP rs13312995, ClinGen allele CA151702.